The following is an entry in ClinVar:

NM_005035.4(POLRMT):c.1050C>T (p.Ala350=)

Gene: POLRMT (RNA polymerase mitochondrial; minus strand). Cytogenetic location: 19p13.3.
Variant type: single nucleotide variant.
Coding change: c.1050C>T on transcript NM_005035.4 (MANE Select); coding-DNA position 1050, C replaced by T.
Protein change: p.Ala350=; no amino-acid change (alanine 350 retained).
Molecular consequence: synonymous variant. On other transcripts: non-coding transcript variant (1).
Genome position (GRCh38, 1-based): chr19:624,809, G>A on the plus strand (C>T on the coding strand, the complement: POLRMT is on the minus strand). VCF-style: chr19-624809-G-A. GRCh37 (hg19) VCF-style: chr19-624809-G-A.
Other names: c.1050C>T, p.Ala350= (NM_001407805.1, NM_001407806.1, NM_001407807.1 and 10 more transcripts); c.1008C>T, p.Ala336= (NM_001407811.1, NM_001407813.1); c.726C>T, p.Ala242= (NM_001407831.1, NM_001407833.1, NM_001407834.1 and 2 more transcripts).
Identifiers: ClinVar variation 3781849 (VCV003781849.3).
Genomic context (GRCh38, chr19:624,809, plus strand): 5'-GGTGTTGACCGGGGGCGGCAGCTGCGGCGGGAGGCTGAAGGTGGGCTTCACCTTGTGCAC[G>A]GCCTTCAGAACAGTGGCCCGATCCTCCTCAGACAGCAGAACGGCGGTGAAGAGTGCCTGC-3'
Protein context (NP_005026.3, residues 340-360): SEEDRATVLK[Ala350=]VHKVKPTFSL

ClinVar aggregate classification (germline): Likely benign. Review status: criteria provided, multiple submitters, no conflicts (2 of 4 stars). 2 submissions from 2 submitters: Likely benign (2). Last evaluated 2026-04-01.

gnomAD v4.1: 52 of 1,613,344 alleles (0.0032%); highest among the groups gnomAD compares: African/African-American, 0.015%; no homozygotes.

Submissions (2):

CeGaT Center for Human Genetics Tuebingen
Classification: Likely benign. Last evaluated: 2026-04-01. Review status: criteria provided, single submitter. Criteria: CeGaT Center For Human Genetics Tuebingen Variant Classification Criteria Version 2. Collection method: clinical testing. Allele origin: germline. Affected: yes. Observed: 1 variant allele.
Comment: POLRMT: BP4, BP7

Ambry Genetics
Classification: Likely benign. Last evaluated: 2025-01-21. Review status: criteria provided, single submitter. Criteria: Ambry Variant Classification Scheme 2023. Collection method: clinical testing. Allele origin: germline.